The following is an entry in ClinVar:

ClinVar aggregate classification (germline): Uncertain significance (1 of 4 stars; one submission).

Conditions:
Autosomal dominant nonsyndromic hearing loss 1. Also called: DEAFNESS, AUTOSOMAL DOMINANT 1, WITH OR WITHOUT THROMBOCYTOPENIA; KONIGSMARK SYNDROME. Identifiers: Orphanet 90635, MedGen C1852282, MONDO:0007424, OMIM 124900.
Progressive microcephaly-seizures-cortical blindness-developmental delay syndrome. Also called: Seizures, cortical blindness, and microcephaly syndrome. Identifiers: Orphanet 477814, MedGen C5567650, MONDO:0014714, OMIM 616632.

Allele frequency attached by ClinVar (database versions not stated): ExAC 0.00001; gnomAD exomes 0.00001; gnomAD 0.00002; TOPMed 0.00003.
gnomAD v4.1: 10 of 1,613,498 alleles (0.00062%); highest among the groups gnomAD compares: African/African-American, 0.012%; no homozygotes.

Submission:

Labcorp Genetics (formerly Invitae), Labcorp
Classification: Uncertain significance for Progressive microcephaly-seizures-cortical blindness-developmental delay syndrome; Autosomal dominant nonsyndromic hearing loss 1. Last evaluated: 2024-09-17. Review status: criteria provided, single submitter. Criteria: Invitae Variant Classification Sherloc (09022015). Collection method: clinical testing. Allele origin: germline.
Comment: This sequence change replaces isoleucine, which is neutral and non-polar, with valine, which is neutral and non-polar, at codon 118 of the DIAPH1 protein (p.Ile118Val). This variant is present in population databases (rs769174848, gnomAD 0.01%). This variant has not been reported in the literature in individuals affected with DIAPH1-related conditions. ClinVar contains an entry for this variant (Variation ID: 1427780). Experimental studies and prediction algorithms are not available or were not evaluated, and the functional significance of this variant is currently unknown. In summary, the available evidence is currently insufficient to determine the role of this variant in disease. Therefore, it has been classified as a Variant of Uncertain Significance.

NM_005219.5(DIAPH1):c.352A>G (p.Ile118Val)

Gene: DIAPH1 (diaphanous related formin 1; minus strand). Cytogenetic location: 5q31.3.
Variant type: single nucleotide variant.
Coding change: c.352A>G on transcript NM_005219.5 (MANE Select); coding-DNA position 352, A replaced by G.
Protein change: p.Ile118Val; replaces isoleucine 118 with valine.
Molecular consequence: missense variant.
Genome position (GRCh38, 1-based): chr5:141,584,174, T>C on the plus strand (A>G on the coding strand, the complement: DIAPH1 is on the minus strand). VCF-style: chr5-141584174-T-C. GRCh37 (hg19) VCF-style: chr5-140963741-T-C.
Other names: c.325A>G, p.Ile109Val (NM_001079812.3); c.352A>G, p.Ile118Val (NM_001314007.2); short protein forms I118V, I109V.
Identifiers: ClinVar variation 1427780 (VCV001427780.6), dbSNP rs769174848, ClinGen allele CA3479620.